The following is an entry in ClinVar:

NM_000049.4(ASPA):c.744+1G>A

Genes: ASPA (aspartoacylase; plus strand), SPATA22 (spermatogenesis associated 22; minus strand). Cytogenetic location: 17p13.2.
Variant type: single nucleotide variant.
Coding change: c.744+1G>A on transcript NM_000049.4 (MANE Select); the canonical splice donor site of the intron after coding-DNA position 744, G replaced by A.
Molecular consequence: splice donor variant. On other transcripts: intron variant (2).
Genome position (GRCh38, 1-based): chr17:3,494,460, G>A. VCF-style: chr17-3494460-G-A. GRCh37 (hg19) VCF-style: chr17-3397754-G-A.
Other names: c.-74+18952C>T (NM_001321336.2, NM_001321337.2); c.744+1G>A (NM_001128085.1).
Identifiers: ClinVar variation 972712 (VCV000972712.7), dbSNP rs2073877472, ClinGen allele CA397686419.

ClinVar aggregate classification (germline): Pathogenic/Likely pathogenic. Review status: criteria provided, multiple submitters, no conflicts (2 of 4 stars). 3 submissions from 3 submitters: Pathogenic (2); Likely pathogenic (1). Last evaluated 2024-03-27.

Conditions:
Spongy degeneration of central nervous system. Also called: Canavan disease; Von Bogaert-Bertrand disease; ACY2 DEFICIENCY; AMINOACYLASE 2 DEFICIENCY; ASP DEFICIENCY; ASPA DEFICIENCY. Identifiers: Orphanet 141, MedGen C0206307, MONDO:0010079, OMIM 271900.

Submissions (3):

Fulgent Genetics
Classification: Likely pathogenic for Spongy degeneration of central nervous system. Last evaluated: 2024-03-27. Review status: criteria provided, single submitter. Criteria: ACMG Guidelines, 2015. Collection method: clinical testing. Allele origin: germline.

Baylor Genetics
Classification: Pathogenic for Spongy degeneration of central nervous system. Last evaluated: 2023-09-09. Review status: criteria provided, single submitter. Criteria: ACMG Guidelines, 2015. Collection method: clinical testing. Allele origin: unknown.

MedGen Diagnostic Laboratory, MedGen Medical Centre
Classification: Pathogenic for Spongy degeneration of central nervous system. Last evaluated: 2019-10-09. Review status: criteria provided, single submitter. Criteria: ACMG Guidelines, 2015. Collection method: clinical testing. Allele origin: paternal. Inheritance: Autosomal recessive inheritance. Affected: yes. Observed: 1 compound heterozygote.
Comment: The variant is novel and has been evaluated as pathogenic due to its canonical +1 splice site (which is a known mechanism of disease) and in silico predictions (affecting splicing). Parent testing has been performed proving in trans position. In summary, this variant meets the ACMG (2015) criteria to be evaluated as pathogenic.